The following is an entry in ClinVar:

ClinVar aggregate classification (germline): Pathogenic (1 of 4 stars; one submission).

Submission:

Labcorp Genetics (formerly Invitae), Labcorp
Classification: Pathogenic. Last evaluated: 2024-12-16. Review status: criteria provided, single submitter. Criteria: Invitae Variant Classification Sherloc (09022015). Collection method: clinical testing. Allele origin: germline.
Comment: This sequence change creates a premature translational stop signal (p.Cys963*) in the ABCC6 gene. It is expected to result in an absent or disrupted protein product. Loss-of-function variants in ABCC6 are known to be pathogenic (PMID: 11536079, 17617515). This variant is not present in population databases (gnomAD no frequency). This variant has not been reported in the literature in individuals affected with ABCC6-related conditions. ClinVar contains an entry for this variant (Variation ID: 1391272). For these reasons, this variant has been classified as Pathogenic.

Literature cited by the submitters: PubMed 11536079; PubMed 17617515.

NM_001171.6(ABCC6):c.2889C>A (p.Cys963Ter)

Gene: ABCC6 (ATP binding cassette subfamily C member 6; minus strand). Cytogenetic location: 16p13.11.
Variant type: single nucleotide variant.
Coding change: c.2889C>A on transcript NM_001171.6 (MANE Select); coding-DNA position 2889, C replaced by A.
Protein change: p.Cys963Ter; replaces cysteine 963 with a stop codon.
Molecular consequence: nonsense. On other transcripts: non-coding transcript variant (1).
Genome position (GRCh38, 1-based): chr16:16,169,752, G>T on the plus strand (C>A on the coding strand, the complement: ABCC6 is on the minus strand). VCF-style: chr16-16169752-G-T. GRCh37 (hg19) VCF-style: chr16-16263609-G-T.
Other names: c.2547C>A, p.Cys849Ter (NM_001351800.1); short protein forms C849*, C963*.
Identifiers: ClinVar variation 1391272 (VCV001391272.6), dbSNP rs2152235635, ClinGen allele CA394884689.